The following is an entry in ClinVar:

ClinVar aggregate classification (germline): Uncertain significance. Review status: criteria provided, multiple submitters, no conflicts (2 of 4 stars). 4 submissions from 4 submitters: Uncertain significance (4). Last evaluated 2024-04-15.

Conditions:
Norman-Roberts syndrome (LIS2). Also called: Lissencephaly 2 (Norman-Roberts type). Identifiers: Orphanet 89844, MedGen C0796089, MONDO:0009760, OMIM 257320.
Familial temporal lobe epilepsy 7. Identifiers: Orphanet 101046, MedGen C4225327, MONDO:0014639, OMIM 616436.

Allele frequency attached by ClinVar (database versions not stated): TOPMed below 0.00001; gnomAD exomes 0.00001; ExAC 0.00002; ESP Exome Variant Server 0.00008.
gnomAD v4.1: 11 of 1,613,826 alleles (0.00068%); highest among the groups gnomAD compares: African/African-American, 0.004%; no homozygotes.

Submissions (4):

Labcorp Genetics (formerly Invitae), Labcorp
Classification: Uncertain significance for Familial temporal lobe epilepsy 7; Norman-Roberts syndrome. Last evaluated: 2024-04-15. Review status: criteria provided, single submitter. Criteria: Invitae Variant Classification Sherloc (09022015). Collection method: clinical testing. Allele origin: germline.
Comment: This sequence change replaces cysteine, which is neutral and slightly polar, with glycine, which is neutral and non-polar, at codon 225 of the RELN protein (p.Cys225Gly). This variant is present in population databases (rs371731772, gnomAD 0.002%). This missense change has been observed in individual(s) with clinical features of RELN-related conditions (PMID: 36703223). ClinVar contains an entry for this variant (Variation ID: 1498693). Advanced modeling of protein sequence and biophysical properties (such as structural, functional, and spatial information, amino acid conservation, physicochemical variation, residue mobility, and thermodynamic stability) performed at Invitae indicates that this missense variant is not expected to disrupt RELN protein function with a negative predictive value of 80%. In summary, the available evidence is currently insufficient to determine the role of this variant in disease. Therefore, it has been classified as a Variant of Uncertain Significance.

Genomic Medicine Center of Excellence, King Faisal Specialist Hospital and Research Centre
Classification: Uncertain significance for Norman-Roberts syndrome. Last evaluated: 2024-03-26. Review status: criteria provided, single submitter. Criteria: ACMG Guidelines, 2015. Collection method: clinical testing. Allele origin: germline.

Blueprint Genetics
Classification: Uncertain significance. Last evaluated: 2023-11-06. Review status: criteria provided, single submitter. Criteria: ACMG Guidelines, 2015. Collection method: clinical testing. Allele origin: germline.

Dubai Health Genomic Medicine Center, Dubai Health
Classification: Uncertain significance. Last evaluated: 2022-12-17. Review status: criteria provided, single submitter. Criteria: ACMG Guidelines, 2015. Collection method: clinical testing. Allele origin: germline. Affected: yes.

Literature cited by the submitters: PubMed 36703223 (cited by Labcorp Genetics (formerly Invitae), Labcorp).

NM_005045.4(RELN):c.673T>G (p.Cys225Gly)

Gene: RELN (reelin; minus strand). Cytogenetic location: 7q22.1.
Variant type: single nucleotide variant.
Coding change: c.673T>G on transcript NM_005045.4 (MANE Select); coding-DNA position 673, T replaced by G.
Protein change: p.Cys225Gly; replaces cysteine 225 with glycine.
Molecular consequence: missense variant.
Genome position (GRCh38, 1-based): chr7:103,728,191, A>C on the plus strand (T>G on the coding strand, the complement: RELN is on the minus strand). VCF-style: chr7-103728191-A-C. GRCh37 (hg19) VCF-style: chr7-103368638-A-C.
Other names: c.673T>G, p.Cys225Gly (NM_173054.3); c.673T>G (NM_173054.2); short protein forms C225G.
Identifiers: ClinVar variation 1498693 (VCV001498693.10), dbSNP rs371731772, ClinGen allele CA4422474.